The following is an entry in ClinVar:

NM_005445.4(SMC3):c.821T>G (p.Val274Gly)

Gene: SMC3 (structural maintenance of chromosomes 3; plus strand). Cytogenetic location: 10q25.2.
Variant type: single nucleotide variant.
Coding change: c.821T>G on transcript NM_005445.4 (MANE Select); coding-DNA position 821, T replaced by G.
Protein change: p.Val274Gly; replaces valine 274 with glycine.
Molecular consequence: missense variant.
Genome position (GRCh38, 1-based): chr10:110,583,400, T>G. VCF-style: chr10-110583400-T-G. GRCh37 (hg19) VCF-style: chr10-112343158-T-G.
Other names: short protein forms V274G.
Identifiers: ClinVar variation 3907123 (VCV003907123.1).

ClinVar aggregate classification (germline): Uncertain significance (1 of 4 stars; one submission).

Submission:

Women's Health and Genetics/Laboratory Corporation of America, LabCorp
Classification: Uncertain significance. Last evaluated: 2025-06-13. Review status: criteria provided, single submitter. Criteria: LabCorp Variant Classification Summary - May 2015. Collection method: clinical testing. Allele origin: germline.
Comment: Variant summary: SMC3 c.821T>G (p.Val274Gly) results in a non-conservative amino acid change in the encoded protein sequence. Algorithms developed to predict the effect of missense changes on protein structure and function are either unavailable or do not agree on the potential impact of this missense change. The variant was absent in 251078 control chromosomes. The available data on variant occurrences in the general population are insufficient to allow any conclusion about variant significance. To our knowledge, no occurrence of c.821T>G in individuals affected with Cornelia De Lange Syndrome 3 and no experimental evidence demonstrating its impact on protein function have been reported. No submitters have cited clinical-significance assessments for this variant to ClinVar. Based on the evidence outlined above, the variant was classified as uncertain significance.